The following is an entry in ClinVar:

ClinVar aggregate classification (germline): Uncertain significance (1 of 4 stars; one submission).

Submission:

Labcorp Genetics (formerly Invitae), Labcorp
Classification: Uncertain significance. Last evaluated: 2022-07-06. Review status: criteria provided, single submitter. Criteria: Invitae Variant Classification Sherloc (09022015). Collection method: clinical testing. Allele origin: germline.
Comment: This sequence change replaces glutamine, which is neutral and polar, with arginine, which is basic and polar, at codon 1398 of the COL11A1 protein (p.Gln1398Arg). This variant is not present in population databases (gnomAD no frequency). This variant has not been reported in the literature in individuals affected with COL11A1-related conditions. Advanced modeling of protein sequence and biophysical properties (such as structural, functional, and spatial information, amino acid conservation, physicochemical variation, residue mobility, and thermodynamic stability) performed at Invitae indicates that this missense variant is not expected to disrupt COL11A1 protein function. In summary, the available evidence is currently insufficient to determine the role of this variant in disease. Therefore, it has been classified as a Variant of Uncertain Significance.

NM_001854.4(COL11A1):c.4193A>G (p.Gln1398Arg)

Gene: COL11A1 (collagen type XI alpha 1 chain; minus strand). Cytogenetic location: 1p21.1.
Variant type: single nucleotide variant.
Coding change: c.4193A>G on transcript NM_001854.4 (MANE Select); coding-DNA position 4193, A replaced by G.
Protein change: p.Gln1398Arg; replaces glutamine 1398 with arginine.
Molecular consequence: missense variant. On other transcripts: non-coding transcript variant (1).
Genome position (GRCh38, 1-based): chr1:102,898,721, T>C on the plus strand (A>G on the coding strand, the complement: COL11A1 is on the minus strand). VCF-style: chr1-102898721-T-C. GRCh37 (hg19) VCF-style: chr1-103364277-T-C.
Other names: c.3845A>G, p.Gln1282Arg (NM_001168249.1, NM_080630.4); c.4076A>G, p.Gln1359Arg (NM_001190709.2); c.4229A>G, p.Gln1410Arg (NM_080629.3); short protein forms Q1282R, Q1410R, Q1359R, Q1398R.
Identifiers: ClinVar variation 1933475 (VCV001933475.5), dbSNP rs775587076, ClinGen allele CA341155353.